The following is an entry in ClinVar:

ClinVar aggregate classification (germline): Likely benign. Review status: criteria provided, multiple submitters, no conflicts (2 of 4 stars). 3 submissions from 3 submitters: Likely benign (2). 1 of the submissions does not count toward it. Last evaluated 2025-01-06.

Conditions:
DYNC1I1-related disorder. Also called: DYNC1I1-related condition.

Allele frequency attached by ClinVar (database versions not stated): ESP Exome Variant Server 0.00015; gnomAD 0.00029 and 0.00031; 1000 Genomes Project 30x 0.00031; TOPMed 0.00032; gnomAD exomes 0.00033; ExAC 0.00040.
gnomAD v4.1: 484 of 1,614,180 alleles (0.03%); highest among the groups gnomAD compares: Admixed American, 0.04%; no homozygotes.

Submissions (3):

Labcorp Genetics (formerly Invitae), Labcorp
Classification: Likely benign. Last evaluated: 2025-01-06. Review status: criteria provided, single submitter. Criteria: Invitae Variant Classification Sherloc (09022015). Collection method: clinical testing. Allele origin: germline.

Breakthrough Genomics
Classification: Likely benign. Review status: criteria provided, single submitter. Criteria: ACMG Guidelines, 2015. Collection method: not provided. Allele origin: germline. Inheritance: Unknown mechanism. Affected: yes.

PreventionGenetics, part of Exact Sciences
Classification: Likely benign for DYNC1I1-related condition. Last evaluated: 2019-10-28. Review status: no assertion criteria provided. Collection method: clinical testing. Allele origin: germline. Not counted in ClinVar's aggregate classification.
Comment: This variant is classified as likely benign based on ACMG/AMP sequence variant interpretation guidelines (Richards et al. 2015 PMID: 25741868, with internal and published modifications).

NM_001135556.2(DYNC1I1):c.1638C>T (p.Asn546=)

Genes: DYNC1I1 (dynein cytoplasmic 1 intermediate chain 1; plus strand), LOC110121292 (eExon 15 DLX5/6 limb enhancer; plus strand). Cytogenetic location: 7q21.3.
Variant type: single nucleotide variant.
Coding change: c.1638C>T on transcript NM_001135556.2 (MANE Select); coding-DNA position 1638, C replaced by T.
Protein change: p.Asn546=; no amino-acid change (asparagine 546 retained).
Molecular consequence: synonymous variant.
Genome position (GRCh38, 1-based): chr7:96,076,185, C>T. VCF-style: chr7-96076185-C-T. GRCh37 (hg19) VCF-style: chr7-95705497-C-T.
Other names: c.1578C>T, p.Asn526= (NM_001135557.2, NM_001278422.2); c.1629C>T, p.Asn543= (NM_001278421.2); c.1689C>T, p.Asn563= (NM_004411.5); c.1689C>T (NM_004411.4).
Identifiers: ClinVar variation 1545765 (VCV001545765.11), dbSNP rs376956482, ClinGen allele CA4352562.